The following is an entry in ClinVar:

NM_000283.4(PDE6B):c.703_704insT (p.Arg235fs)

Gene: PDE6B (phosphodiesterase 6B; plus strand). Cytogenetic location: 4p16.3.
Variant type: Insertion.
Coding change: c.703_704insT on transcript NM_000283.4 (MANE Select); coding-DNA positions 703 to 704, T inserted.
Protein change: p.Arg235fs; shifts the reading frame from arginine 235.
Molecular consequence: frameshift variant.
Genome position: GRCh38 VCF-style: chr4-635961-C-CT. GRCh37 (hg19) VCF-style: chr4-629750-C-CT.
Other names: c.703_704insT, p.Arg235fs (NM_001145291.2); short protein forms R235fs.
Identifiers: ClinVar variation 1444787 (VCV001444787.6), dbSNP rs2109137293, ClinGen allele CA2573138210.

ClinVar aggregate classification (germline): Pathogenic (1 of 4 stars; one submission).

Submission:

Labcorp Genetics (formerly Invitae), Labcorp
Classification: Pathogenic. Last evaluated: 2022-08-23. Review status: criteria provided, single submitter. Criteria: Invitae Variant Classification Sherloc (09022015). Collection method: clinical testing. Allele origin: germline.
Comment: For these reasons, this variant has been classified as Pathogenic. ClinVar contains an entry for this variant (Variation ID: 1444787). This variant has not been reported in the literature in individuals affected with PDE6B-related conditions. This variant is not present in population databases (gnomAD no frequency). This sequence change creates a premature translational stop signal (p.Arg235Leufs*14) in the PDE6B gene. It is expected to result in an absent or disrupted protein product. Loss-of-function variants in PDE6B are known to be pathogenic (PMID: 8394174, 8595886, 22334370).

Literature cited by the submitters: PubMed 8394174; PubMed 8595886; PubMed 22334370.